The following is an entry in ClinVar:

ClinVar aggregate classification (germline): Pathogenic (1 of 4 stars; one submission).

Conditions:
Sulfite oxidase deficiency due to molybdenum cofactor deficiency type A. Also called: Molybdenum cofactor deficiency, complementation group A; Molybdenum Cofactor Deficiency A. Identifiers: Orphanet 308386, Orphanet 833, MedGen C1854988, MONDO:0009643, OMIM 252150.

Submission:

Labcorp Genetics (formerly Invitae), Labcorp
Classification: Pathogenic for Sulfite oxidase deficiency due to molybdenum cofactor deficiency type A. Last evaluated: 2022-07-25. Review status: criteria provided, single submitter. Criteria: Invitae Variant Classification Sherloc (09022015). Collection method: clinical testing. Allele origin: germline.
Comment: For these reasons, this variant has been classified as Pathogenic. This variant has not been reported in the literature in individuals affected with MOCS1-related conditions. This variant is not present in population databases (gnomAD no frequency). This sequence change creates a premature translational stop signal (p.Leu163Tyrfs*52) in the MOCS1 gene. It is expected to result in an absent or disrupted protein product. Loss-of-function variants in MOCS1 are known to be pathogenic (PMID: 12754701, 16021469).

Literature cited by the submitters: PubMed 12754701; PubMed 16021469.

NM_001358530.2(MOCS1):c.486del (p.Leu163fs)

Gene: MOCS1 (molybdenum cofactor synthesis 1; minus strand). Cytogenetic location: 6p21.2.
Variant type: Deletion.
Coding change: c.486del on transcript NM_001358530.2 (MANE Select); coding-DNA position 486, one base deleted (G; older notation c.486delG).
Protein change: p.Leu163fs; shifts the reading frame from leucine 163.
Molecular consequence: frameshift variant. On other transcripts: non-coding transcript variant (1).
Genome position (GRCh38, 1-based): chr6:39,916,165, C deleted on the plus strand (G on the coding strand, the reverse complement: MOCS1 is on the minus strand); the first of 2 consecutive C bases (chr6:39,916,165-39,916,166); deleting either gives the same sequence. VCF-style (leftmost placement, unchanged base first): chr6-39916164-GC-G. GRCh37 (hg19) VCF-style: chr6-39883908-GC-G.
Other names: c.486del, p.Leu163fs (NM_001075098.4, NM_001358529.2, NM_005943.6); c.225del, p.Leu76fs (NM_001358531.2, NM_001358533.2, NM_001358534.2); short protein forms L76fs, L163fs.
Identifiers: ClinVar variation 2045609 (VCV002045609.4), dbSNP rs2482336564, ClinGen allele CA2580074484.